The following is an entry in ClinVar:

ClinVar aggregate classification (germline): Likely benign. Review status: criteria provided, multiple submitters, no conflicts (2 of 4 stars). 2 submissions from 2 submitters: Likely benign (2). Last evaluated 2026-03-01.

Conditions:
Arthrogryposis, distal, type 1A. Also called: ARTHROGRYPOSIS MULTIPLEX CONGENITA, DISTAL, TYPE I. Identifiers: Orphanet 1146, MedGen C6022280, MONDO:0007157, OMIM 108120.

gnomAD v4.1: 26 of 1,613,822 alleles (0.0016%); highest among the groups gnomAD compares: Non-Finnish European, 0.0017%; no homozygotes.

Submissions (2):

CeGaT Center for Human Genetics Tuebingen
Classification: Likely benign. Last evaluated: 2026-03-01. Review status: criteria provided, single submitter. Criteria: CeGaT Center For Human Genetics Tuebingen Variant Classification Criteria Version 2. Collection method: clinical testing. Allele origin: germline. Affected: yes. Observed: 1 variant allele.
Comment: TPM2: BP4, BP7

Labcorp Genetics (formerly Invitae), Labcorp
Classification: Likely benign for Digitotalar dysmorphism. Last evaluated: 2024-10-20. Review status: criteria provided, single submitter. Criteria: Invitae Variant Classification Sherloc (09022015). Collection method: clinical testing. Allele origin: germline.

NM_003289.4(TPM2):c.348C>G (p.Ala116=)

Gene: TPM2 (tropomyosin 2; minus strand). Cytogenetic location: 9p13.3.
Variant type: single nucleotide variant.
Coding change: c.348C>G on transcript NM_003289.4 (MANE Select); coding-DNA position 348, C replaced by G.
Protein change: p.Ala116=; no amino-acid change (alanine 116 retained).
Molecular consequence: synonymous variant.
Genome position (GRCh38, 1-based): chr9:35,685,673, G>C on the plus strand (C>G on the coding strand, the complement: TPM2 is on the minus strand). VCF-style: chr9-35685673-G-C. GRCh37 (hg19) VCF-style: chr9-35685670-G-C.
Other names: c.348C>G, p.Ala116= (NM_001301226.2, NM_001301227.2, NM_213674.1).
Identifiers: ClinVar variation 3706234 (VCV003706234.6).
Genomic context (GRCh38, chr9:35,685,673, plus strand): 5'-CTCCCGGACCATCCTCCCCGAGGCCCCTGACCACCTCTCGCTCTCATCAGCCGCCTTCTC[G>C]GCCTCCTCCAGCTTCTGCAGGGCTGTAGCCAGGCGCTCCTGGGCCCGGTCCAGCTCCTCC-3'
Protein context (NP_003280.2, residues 106-126): LATALQKLEE[Ala116=]EKAADESERG